The following is an entry in ClinVar:

ClinVar aggregate classification (germline): Uncertain significance. Review status: criteria provided, multiple submitters, no conflicts (2 of 4 stars). 2 submissions from 2 submitters: Uncertain significance (2). Last evaluated 2025-10-18.

Conditions:
Inborn genetic diseases. Identifiers: MedGen C0950123, MeSH D030342.
LAMA5-related disorder. Also called: LAMA5-related condition; LAMA5-Related Disorders.

Allele frequency attached by ClinVar (database versions not stated): ExAC 0.00003; gnomAD 0.00003; gnomAD exomes 0.00004; TOPMed 0.00004.
gnomAD v4.1: 64 of 1,612,448 alleles (0.004%); highest among the groups gnomAD compares: Non-Finnish European, 0.0051%; no homozygotes.

Submissions (2):

Ambry Genetics
Classification: Uncertain significance for Inborn genetic diseases. Last evaluated: 2025-10-18. Review status: criteria provided, single submitter. Criteria: Ambry Variant Classification Scheme 2023. Collection method: clinical testing. Allele origin: germline.

PreventionGenetics, part of Exact Sciences
Classification: Uncertain significance for LAMA5-related condition. Last evaluated: 2023-04-25. Review status: criteria provided, single submitter. Criteria: ACMG Guidelines, 2015. Collection method: clinical testing. Allele origin: germline.
Comment: The LAMA5 c.8242C>T variant is predicted to result in the amino acid substitution p.Arg2748Cys. To our knowledge, this variant has not been reported in the literature. This variant is reported in 0.0055% of alleles in individuals of European (Non-Finnish) descent in gnomAD. At this time, the clinical significance of this variant is uncertain due to the absence of conclusive functional and genetic evidence.

NM_005560.6(LAMA5):c.8242C>T (p.Arg2748Cys)

Gene: LAMA5 (laminin subunit alpha 5; minus strand). Cytogenetic location: 20q13.33.
Variant type: single nucleotide variant.
Coding change: c.8242C>T on transcript NM_005560.6 (MANE Select); coding-DNA position 8242, C replaced by T.
Protein change: p.Arg2748Cys; replaces arginine 2748 with cysteine.
Molecular consequence: missense variant.
Genome position (GRCh38, 1-based): chr20:62,314,680, G>A on the plus strand (C>T on the coding strand, the complement: LAMA5 is on the minus strand). VCF-style: chr20-62314680-G-A. GRCh37 (hg19) VCF-style: chr20-60889736-G-A.
Other names: c.8242C>T (NM_005560.4); short protein forms R2748C.
Identifiers: ClinVar variation 2390648 (VCV002390648.4), dbSNP rs750252621, ClinGen allele CA9940809.
Genomic context (GRCh38, chr20:62,314,680, plus strand): 5'-CCTGCAGGTAGAACTTGAGGGCAGTGTAGGCAGCAAGGTCGGCAAGATCCCGTGGGGTGC[G>A]CAGCTGCACCCCTGAGCGCCCGTTGAACTTCATGGGCACCTTGACCTGCGGGGCACGGTC-3'
Protein context (NP_005551.3, residues 2738-2758): KFNGRSGVQL[Arg2748Cys]TPRDLADLAA